The following is an entry in ClinVar:

ClinVar aggregate classification (germline): Pathogenic. Review status: criteria provided, multiple submitters, no conflicts (2 of 4 stars). 7 submissions from 7 submitters: Pathogenic (7). Last evaluated 2026-01-30.

Conditions:
Pendred syndrome (PDS). Also called: THYROID DYSHORMONOGENESIS 2B; THYROID HORMONOGENESIS, GENETIC DEFECT IN, 2B; Pendred's syndrome; Pendred Syndrome (PDS); GOITER-DEAFNESS SYNDROME; HYPOTHYROIDISM, CONGENITAL, DUE TO DYSHORMONOGENESIS, 2B. Identifiers: Orphanet 705, MedGen C0271829, MONDO:0010134, OMIM 274600.
Autosomal recessive nonsyndromic hearing loss 4 (DFNB4). Also called: NEUROSENSORY NONSYNDROMIC RECESSIVE DEAFNESS 4; FOXI1-Related Pendred Syndrome; KCNJ10-Related Pendred Syndrome; DEAFNESS, AUTOSOMAL RECESSIVE 4, WITH ENLARGED VESTIBULAR AQUEDUCT, DIGENIC; Deafness, autosomal recessive 4, with enlarged vestibular aqueduct; Deafness, autosomal recessive 4. Identifiers: Orphanet 90636, MedGen C3538946, MONDO:0010933, OMIM 600791.

Allele frequency attached by ClinVar (database versions not stated): gnomAD exomes below 0.00001.
gnomAD v4.1: 1 of 1,608,472 alleles (0.000062%); highest among the groups gnomAD compares: East Asian, 0.0022%; no homozygotes.

Submissions (7):

Natera, Inc.
Classification: Pathogenic for Pendred syndrome. Last evaluated: 2026-01-30. Review status: criteria provided, single submitter. Criteria: Natera Variant Classification Schema (03/2026). Collection method: clinical testing. Allele origin: germline.
Comment: The c.2167C>G variant in SLC26A4 is a missense variant predicted to cause substitution of histidine to aspartic acid at amino acid 723. This variant is rare in the general population with a frequency below the threshold expected for the associated phenotype(s). This variant has been observed in one or more individuals affected with the associated recessive disease, as either homozygous or compound heterozygous with a second variant (PMID: 37477685, 34170635). Given the available evidence, this variant is classified as Pathogenic.

Women's Health and Genetics/Laboratory Corporation of America, LabCorp
Classification: Pathogenic for Pendred syndrome. Last evaluated: 2023-08-11. Review status: criteria provided, single submitter. Criteria: LabCorp Variant Classification Summary - May 2015. Collection method: clinical testing. Allele origin: germline.
Comment: Variant summary: SLC26A4 c.2167C>G (p.His723Asp) results in a non-conservative amino acid change located in the STAS domain (IPR002645) of the encoded protein sequence. This alters a highly conserved residue (HGMD) in which another missense variant is classified as pathogenic (p.His723Arg). Five of five in-silico tools predict a damaging effect of the variant on protein function. The variant allele was found at a frequency of 4e-06 in 251304 control chromosomes (gnomAD). c.2167C>G has been reported in the literature in multiple individuals affected with non-syndromic deafness (Dai_2008. Yao_2015, Wu_2022, Tian_2021, Zhang_2019, Xiang_2019), and some were reported as compound heterozygous with other pathogenic variants. These data indicate that the variant is very likely to be associated with disease. The following publications have been ascertained in the context of this evaluation (PMID: 19040761, 26035154, 35249537, 34170635, 31107121, 31035178). Two submitters have cited clinical-significance assessments for this variant to ClinVar after 2014. Both submitters classified the variant as pathogenic. Based on the evidence outlined above, the variant was classified as pathogenic.

Baylor Genetics
Classification: Pathogenic for Autosomal recessive nonsyndromic hearing loss 4. Last evaluated: 2021-12-23. Review status: criteria provided, single submitter. Criteria: ACMG Guidelines, 2015. Collection method: clinical testing. Allele origin: unknown.

Genome-Nilou Lab
Classification: Pathogenic for Autosomal recessive nonsyndromic hearing loss 4. Last evaluated: 2021-09-05. Review status: criteria provided, single submitter. Criteria: ACMG Guidelines, 2015. Collection method: clinical testing. Allele origin: germline. Affected: no.

Labcorp Genetics (formerly Invitae), Labcorp
Classification: Pathogenic. Last evaluated: 2019-06-04. Review status: criteria provided, single submitter. Criteria: Invitae Variant Classification Sherloc (09022015). Collection method: clinical testing. Allele origin: germline.
Comment: This variant has been observed in individual(s) with enlarged vestibular aqueduct (PMID: 19040761, 22289209, 25372295, 26035154). In at least one individual the data is consistent with the variant being in trans (on the opposite chromosome) from a pathogenic variant. For these reasons, this variant has been classified as Pathogenic. This variant disrupts the p.His723 amino acid residue in SLC26A4. Other variant(s) that disrupt this residue have been determined to be pathogenic (PMID: 11405873, 20583162, 22884721, 23755160, 24338212). This suggests that this residue is clinically significant, and that variants that disrupt this residue are likely to be disease-causing. Algorithms developed to predict the effect of missense changes on protein structure and function are either unavailable or do not agree on the potential impact of this missense change (SIFT: "Deleterious"; PolyPhen-2: "Probably Damaging"; Align-GVGD: "Class C0"). This variant is not present in population databases (ExAC no frequency). This sequence change replaces histidine with aspartic acid at codon 723 of the SLC26A4 protein (p.His723Asp). The histidine residue is highly conserved and there is a moderate physicochemical difference between histidine and aspartic acid.

Juno Genomics, Hangzhou Juno Genomics, Inc
Classification: Pathogenic for Autosomal recessive nonsyndromic hearing loss 4; Pendred syndrome. Review status: criteria provided, single submitter. Criteria: ACMG Guidelines, 2015. Collection method: clinical testing. Allele origin: germline. Affected: yes.
Comment: Absent from controls (or at extremely low frequency if recessive) in Genome Aggregation Database, Exome Sequencing Project, 1000 Genomes Project, or Exome Aggregation Consortium.;For recessive disorders, detected in trans with a pathogenic variant.;Novel missense change at an amino acid residue where a different missense change determined to be pathogenic has been seen before.;Multiple lines of computational evidence support a deleterious effect on the gene or gene product (conservation, evolutionary, splicing impact, etc).

Precision Medicine Center, Zhengzhou University
Classification: Pathogenic for Autosomal recessive nonsyndromic hearing loss 4. Review status: criteria provided, single submitter. Criteria: ACMG Guidelines, 2015. Collection method: research. Allele origin: germline. Affected: yes.
Comment: PM2: gnomAD genomes East Asian allele frequency = 0.00005437<0.00007 PM3_VeryStrong: Pathogenic mutation confirmed in trans in two patients and phase unknown in four patients PM5: Another missense pathogenic variant (c.2168A>G, p.His723Arg) at the same codon PP3: REVEL score > 0.7 PP4: Patient's phenotype highly specific for gene

Literature cited by the submitters: PubMed 37477685 (cited by Natera, Inc.); PubMed 34170635 (cited by Natera, Inc. and Women's Health and Genetics/Laboratory Corporation of America, LabCorp); PubMed 31035178 (cited by Women's Health and Genetics/Laboratory Corporation of America, LabCorp); PubMed 19040761 (cited by Women's Health and Genetics/Laboratory Corporation of America, LabCorp and Labcorp Genetics (formerly Invitae), Labcorp); PubMed 35249537 (cited by Women's Health and Genetics/Laboratory Corporation of America, LabCorp); PubMed 26035154 (cited by Women's Health and Genetics/Laboratory Corporation of America, LabCorp and Labcorp Genetics (formerly Invitae), Labcorp); PubMed 31107121 (cited by Women's Health and Genetics/Laboratory Corporation of America, LabCorp); PubMed 22289209 (cited by Labcorp Genetics (formerly Invitae), Labcorp); PubMed 25372295 (cited by Labcorp Genetics (formerly Invitae), Labcorp); PubMed 11405873 (cited by Labcorp Genetics (formerly Invitae), Labcorp); PubMed 20583162 (cited by Labcorp Genetics (formerly Invitae), Labcorp); PubMed 22884721 (cited by Labcorp Genetics (formerly Invitae), Labcorp); PubMed 23755160 (cited by Labcorp Genetics (formerly Invitae), Labcorp); PubMed 24338212 (cited by Labcorp Genetics (formerly Invitae), Labcorp).

NM_000441.2(SLC26A4):c.2167C>G (p.His723Asp)

Genes: SLC26A4 (solute carrier family 26 member 4; plus strand), LOC123956210 (Sharpr-MPRA regulatory region 3291; plus strand). Cytogenetic location: 7q22.3.
Variant type: single nucleotide variant.
Coding change: c.2167C>G on transcript NM_000441.2 (MANE Select); coding-DNA position 2167, C replaced by G.
Protein change: p.His723Asp; replaces histidine 723 with aspartic acid.
Molecular consequence: missense variant.
Genome position (GRCh38, 1-based): chr7:107,710,131, C>G. VCF-style: chr7-107710131-C-G. GRCh37 (hg19) VCF-style: chr7-107350576-C-G.
Other names: short protein forms H723D.
Identifiers: ClinVar variation 949741 (VCV000949741.18), dbSNP rs1417146153, ClinGen allele CA368845871.
Genomic context (GRCh38, chr7:107,710,131, plus strand): 5'-CTGGAGCAATGCGGGTTCTTTGACGACAACATTAGAAAGGACACATTCTTTTTGACGGTC[C>G]ATGATGCTATACTCTATCTACAGAACCAAGTGAAATCTCAAGAGGGTCAAGGTTCCATTT-3'
Protein context (NP_000432.1, residues 713-733): IRKDTFFLTV[His723Asp]DAILYLQNQV